The following is an entry in ClinVar:

NM_004153.4(ORC1):c.1988T>C (p.Met663Thr)

Gene: ORC1 (origin recognition complex subunit 1; minus strand). Cytogenetic location: 1p32.3.
Variant type: single nucleotide variant.
Coding change: c.1988T>C on transcript NM_004153.4 (MANE Select); coding-DNA position 1988, T replaced by C.
Protein change: p.Met663Thr; replaces methionine 663 with threonine.
Molecular consequence: missense variant.
Genome position (GRCh38, 1-based): chr1:52,383,445, A>G on the plus strand (T>C on the coding strand, the complement: ORC1 is on the minus strand). VCF-style: chr1-52383445-A-G. GRCh37 (hg19) VCF-style: chr1-52849117-A-G.
Other names: c.1988T>C, p.Met663Thr (NM_001190818.2); c.1973T>C, p.Met658Thr (NM_001190819.2); short protein forms M658T, M663T.
Identifiers: ClinVar variation 1034699 (VCV001034699.9), dbSNP rs755233699, ClinGen allele CA853158.

ClinVar aggregate classification (germline): Uncertain significance. Review status: criteria provided, multiple submitters, no conflicts (2 of 4 stars). 2 submissions from 2 submitters: Uncertain significance (2). Last evaluated 2023-04-24.

Conditions:
Meier-Gorlin syndrome 1 (MGORS1). Also called: EAR, PATELLA, SHORT STATURE SYNDROME. Identifiers: Orphanet 2554, MedGen C4552001, MONDO:0009143, OMIM 224690.

Allele frequency attached by ClinVar (database versions not stated): gnomAD below 0.00001 and 0.00001; gnomAD exomes 0.00001; ExAC 0.00002.
gnomAD v4.1: 13 of 1,612,840 alleles (0.00081%); highest among the groups gnomAD compares: South Asian, 0.014%; no homozygotes.

Submissions (2):

Department of Pathology and Laboratory Medicine, Sinai Health System
Classification: Uncertain significance for Meier-Gorlin syndrome 1. Last evaluated: 2023-04-24. Review status: criteria provided, single submitter. Criteria: ACMG Guidelines, 2015. Collection method: research. Allele origin: germline.

Labcorp Genetics (formerly Invitae), Labcorp
Classification: Uncertain significance. Last evaluated: 2022-07-26. Review status: criteria provided, single submitter. Criteria: Invitae Variant Classification Sherloc (09022015). Collection method: clinical testing. Allele origin: germline.
Comment: This variant has not been reported in the literature in individuals affected with ORC1-related conditions. This variant is present in population databases (rs755233699, gnomAD 0.01%). This sequence change replaces methionine, which is neutral and non-polar, with threonine, which is neutral and polar, at codon 663 of the ORC1 protein (p.Met663Thr). ClinVar contains an entry for this variant (Variation ID: 1034699). In summary, the available evidence is currently insufficient to determine the role of this variant in disease. Therefore, it has been classified as a Variant of Uncertain Significance. Algorithms developed to predict the effect of missense changes on protein structure and function (SIFT, PolyPhen-2, Align-GVGD) all suggest that this variant is likely to be disruptive.